The following is an entry in ClinVar:

NM_004793.4(LONP1):c.1355C>G (p.Ser452Cys)

Gene: LONP1 (lon peptidase 1, mitochondrial; minus strand). Cytogenetic location: 19p13.3.
Variant type: single nucleotide variant.
Coding change: c.1355C>G on transcript NM_004793.4 (MANE Select); coding-DNA position 1355, C replaced by G.
Protein change: p.Ser452Cys; replaces serine 452 with cysteine.
Molecular consequence: missense variant. On other transcripts: non-coding transcript variant (1).
Genome position (GRCh38, 1-based): chr19:5,705,784, G>C on the plus strand (C>G on the coding strand, the complement: LONP1 is on the minus strand). VCF-style: chr19-5705784-G-C. GRCh37 (hg19) VCF-style: chr19-5705795-G-C.
Other names: c.1163C>G, p.Ser388Cys (NM_001276479.2); c.767C>G, p.Ser256Cys (NM_001276480.1); short protein forms S388C, S452C, S256C.
Identifiers: ClinVar variation 2873438 (VCV002873438.3), dbSNP rs1231965718, ClinGen allele CA403533110.

ClinVar aggregate classification (germline): Uncertain significance (1 of 4 stars; one submission).

Submission:

Labcorp Genetics (formerly Invitae), Labcorp
Classification: Uncertain significance. Last evaluated: 2023-10-17. Review status: criteria provided, single submitter. Criteria: Invitae Variant Classification Sherloc (09022015). Collection method: clinical testing. Allele origin: germline.
Comment: This sequence change replaces serine, which is neutral and polar, with cysteine, which is neutral and slightly polar, at codon 452 of the LONP1 protein (p.Ser452Cys). This variant is not present in population databases (gnomAD no frequency). This variant has not been reported in the literature in individuals affected with LONP1-related conditions. Advanced modeling of protein sequence and biophysical properties (such as structural, functional, and spatial information, amino acid conservation, physicochemical variation, residue mobility, and thermodynamic stability) performed at Invitae indicates that this missense variant is not expected to disrupt LONP1 protein function. In summary, the available evidence is currently insufficient to determine the role of this variant in disease. Therefore, it has been classified as a Variant of Uncertain Significance.